The following is an entry in ClinVar:

ClinVar aggregate classification (germline): Uncertain significance (1 of 4 stars; one submission).

Conditions:
Inborn genetic diseases. Identifiers: MedGen C0950123, MeSH D030342.

Submission:

Ambry Genetics
Classification: Uncertain significance for Inborn genetic diseases. Last evaluated: 2025-03-08. Review status: criteria provided, single submitter. Criteria: Ambry Variant Classification Scheme 2023. Collection method: clinical testing. Allele origin: germline.
Comment: The p.D174H variant (also known as c.520G>C), located in coding exon 6 of the DDX41 gene, results from a G to C substitution at nucleotide position 520. The aspartic acid at codon 174 is replaced by histidine, an amino acid with similar properties. This amino acid position is conserved. In addition, this alteration is predicted to be tolerated by in silico analysis. Based on the available evidence, the clinical significance of this variant remains unclear.

NM_016222.4(DDX41):c.520G>C (p.Asp174His)

Gene: DDX41 (DEAD-box helicase 41; minus strand). Cytogenetic location: 5q35.3.
Variant type: single nucleotide variant.
Coding change: c.520G>C on transcript NM_016222.4 (MANE Select); coding-DNA position 520, G replaced by C.
Protein change: p.Asp174His; replaces aspartic acid 174 with histidine.
Molecular consequence: missense variant.
Genome position (GRCh38, 1-based): chr5:177,515,736, C>G on the plus strand (G>C on the coding strand, the complement: DDX41 is on the minus strand). VCF-style: chr5-177515736-C-G. GRCh37 (hg19) VCF-style: chr5-176942737-C-G.
Other names: c.142G>C, p.Asp48His (NM_001321732.2, NM_001321830.2); short protein forms D48H, D174H.
Identifiers: ClinVar variation 3839072 (VCV003839072.1).